The following is an entry in ClinVar:

NM_020810.3(TRMT5):c.-2G>A

Genes: TRMT5 (tRNA methyltransferase 5; minus strand), LOC130055775 (ATAC-STARR-seq lymphoblastoid active region 8484; plus strand). Cytogenetic location: 14q23.1.
Variant type: single nucleotide variant.
Coding change: c.-2G>A on transcript NM_020810.3 (MANE Select); 2 bases upstream of the start codon, G replaced by A.
Molecular consequence: 5 prime UTR variant. On other transcripts: intron variant (1).
Genome position (GRCh38, 1-based): chr14:60,980,975, C>T on the plus strand (G>A on the coding strand, the complement: TRMT5 is on the minus strand). VCF-style: chr14-60980975-C-T. GRCh37 (hg19) VCF-style: chr14-61447693-C-T.
Other names: c.-40G>A (NM_001350254.1); c.95+49G>A (NM_001350253.1).
Identifiers: ClinVar variation 1032860 (VCV001032860.1), dbSNP rs147780353, ClinGen allele CA7214062.

ClinVar aggregate classification (germline): Uncertain significance (1 of 4 stars; one submission).

Conditions:
Combined oxidative phosphorylation defect type 26 (PNSED). Also called: PERIPHERAL NEUROPATHY WITH VARIABLE SPASTICITY, EXERCISE INTOLERANCE, AND DEVELOPMENTAL DELAY; Combined oxidative phosphorylation deficiency 26. Identifiers: Orphanet 477684, MedGen C5567741, MONDO:0014684, OMIM 616539.

Allele frequency attached by ClinVar (database versions not stated): ESP Exome Variant Server 0.00038; TOPMed 0.00043; ExAC 0.00051; gnomAD exomes 0.00053; gnomAD 0.00056 and 0.00058.

Submission:

Baylor Genetics
Classification: Uncertain significance for Combined oxidative phosphorylation defect type 26. Last evaluated: 2018-04-25. Review status: criteria provided, single submitter. Criteria: ACMG Guidelines, 2015. Collection method: clinical testing. Allele origin: unknown. Affected: yes.
Comment: This variant was determined to be of uncertain significance according to ACMG Guidelines, 2015 [PMID:25741868].